The following is an entry in ClinVar:

ClinVar aggregate classification (germline): Uncertain significance (1 of 4 stars; one submission).

Conditions:
Primary ciliary dyskinesia. Also called: Ciliary dyskinesia. Identifiers: Orphanet 244, MedGen C0008780, MONDO:0016575, HP:0012265.

Submission:

Department of Human Genetics, Hannover Medical School
Classification: Uncertain significance for Primary Ciliary Dyskinesia. Last evaluated: 2026-04-01. Review status: criteria provided, single submitter. Criteria: ACMG Guidelines, 2015. Collection method: research. Allele origin: germline. Affected: no.
Comment: Classification performed by HerediClassify using the following criteria:['PM2_supporting: Variant occures does not occur as homozygous in gnomAD.', 'PVS1_protein_strong: Transcript ENST00000395987 is not predicted to undergo NMD. Protein length change of 0.12326869806094187 observed.']

NM_018272.5(DNAI7):c.1900G>T (p.Glu634Ter)

Gene: DNAI7 (dynein axonemal intermediate chain 7; minus strand). Cytogenetic location: 12p12.1.
Variant type: single nucleotide variant.
Coding change: c.1900G>T on transcript NM_018272.5 (MANE Select); coding-DNA position 1900, G replaced by T.
Protein change: p.Glu634Ter; replaces glutamic acid 634 with a stop codon.
Molecular consequence: nonsense. On other transcripts: non-coding transcript variant (3), intron variant (4).
Genome position (GRCh38, 1-based): chr12:25,108,817, C>A on the plus strand (G>T on the coding strand, the complement: DNAI7 is on the minus strand). VCF-style: chr12-25108817-C-A. GRCh37 (hg19) VCF-style: chr12-25261751-C-A.
Other names: c.1438-56G>T (NM_001352068.2); c.1540-56G>T (NM_001319977.2); c.1876-56G>T (NM_001352062.2); c.2068-56G>T (NM_001082972.3); c.1882G>T, p.Glu628Ter (NM_001082973.3); c.1705G>T, p.Glu569Ter (NM_001204101.3); c.1762G>T, p.Glu588Ter (NM_001204102.3, NM_001319978.2, NM_001352061.2); c.1582G>T, p.Glu528Ter (NM_001352063.2); and 4 more; short protein forms E463*, E482*, E516*, E522*, E528*, E569*, E588*, E628*.
Identifiers: ClinVar variation 4880095 (VCV004880095.1).